The following is an entry in ClinVar:

NM_001999.4(FBN2):c.7013-5T>C

Gene: FBN2 (fibrillin 2; minus strand). Cytogenetic location: 5q23.3.
Variant type: single nucleotide variant.
Coding change: c.7013-5T>C on transcript NM_001999.4 (MANE Select); 5 bases into the intron before coding-DNA position 7013, T replaced by C.
Molecular consequence: intron variant.
Genome position (GRCh38, 1-based): chr5:128,280,322, A>G on the plus strand (T>C on the coding strand, the complement: FBN2 is on the minus strand). VCF-style: chr5-128280322-A-G. GRCh37 (hg19) VCF-style: chr5-127616014-A-G.
Other names: p.?.
Identifiers: ClinVar variation 129048 (VCV000129048.40), dbSNP rs28763927, ClinGen allele CA288834.

ClinVar aggregate classification (germline): Benign. Review status: criteria provided, multiple submitters, no conflicts (2 of 4 stars). 11 submissions from 11 submitters: Benign (11). Last evaluated 2026-02-04.

Conditions:
Familial thoracic aortic aneurysm and aortic dissection (TAAD). Also called: Thoracic aortic aneurysms and dissections. Identifiers: Orphanet 91387, MedGen C4707243, MONDO:0019625.
Congenital contractural arachnodactyly (CCA). Also called: Arthrogryposis, distal, type 9; Beals-Hecht syndrome; BEALS SYNDROME. Identifiers: Orphanet 115, MedGen C0220668, MONDO:0007363, OMIM 121050.

Allele frequency attached by ClinVar (database versions not stated): gnomAD 0.06995 and 0.07103; TOPMed 0.07298; gnomAD exomes 0.07493 and 0.07505; ExAC 0.07665; 1000 Genomes Project 30x 0.07730; ESP Exome Variant Server 0.07736; 1000 Genomes Project 0.08047.
gnomAD v4.1: 120,048 of 1,604,704 alleles (7.5%); highest among the groups gnomAD compares: Middle Eastern, 12%; 4,846 homozygotes.

Submissions (11):

Labcorp Genetics (formerly Invitae), Labcorp
Classification: Benign for Congenital contractural arachnodactyly. Last evaluated: 2026-02-04. Review status: criteria provided, single submitter. Criteria: Invitae Variant Classification Sherloc (09022015). Collection method: clinical testing. Allele origin: germline.

ARUP Laboratories, Molecular Genetics and Genomics, ARUP Laboratories
Classification: Benign. Last evaluated: 2025-07-29. Review status: criteria provided, single submitter. Criteria: ARUP Molecular Germline Variant Investigation Process 2024. Collection method: clinical testing. Allele origin: germline.

Blueprint Genetics
Classification: Benign. Last evaluated: 2024-11-26. Review status: criteria provided, single submitter. Criteria: ACMG Guidelines, 2015. Collection method: clinical testing. Allele origin: germline.

Illumina Laboratory Services, Illumina
Classification: Benign for Congenital contractural arachnodactyly. Last evaluated: 2018-01-12. Review status: criteria provided, single submitter. Criteria: ICSL Variant Classification Criteria 13 December 2019. Collection method: clinical testing. Allele origin: germline.
Comment: This variant was observed in the ICSL laboratory as part of a predisposition screen in an ostensibly healthy population. It had not been previously curated by ICSL or reported in the Human Gene Mutation Database (HGMD: prior to June 1st, 2018), and was therefore a candidate for classification through an automated scoring system. Utilizing variant allele frequency, disease prevalence and penetrance estimates, and inheritance mode, an automated score was calculated to assess if this variant is too frequent to cause the disease. Based on the score and internal cut-off values, a variant classified as benign is not then subjected to further curation. The score for this variant resulted in a classification of benign for this disease.

Women's Health and Genetics/Laboratory Corporation of America, LabCorp
Classification: Benign. Last evaluated: 2017-03-22. Review status: criteria provided, single submitter. Criteria: LabCorp Variant Classification Summary - May 2015. Collection method: clinical testing. Allele origin: germline.
Comment: Variant summary: The FBN2 c.7013-5T>C variant involves the alteration of a non-conserved intronic nucleotide. One in silico tool predicts a benign outcome for this variant. 5/5 splice prediction tools predict no significant impact on normal splicing. ESE finder predicts the loss of an SRp40 binding motif. However, these predictions have yet to be confirmed by functional studies. The variant of interest has been observed in a large, broad control population, ExAC, in 9206/120128 control chromosomes (389 homozygotes) at a frequency of 0.0766349, which is approximately 61308 times the estimated maximal expected allele frequency of a pathogenic FBN2 variant (0.0000013), suggesting this variant is likely a benign polymorphism. In addition, multiple clinical diagnostic laboratories classified this variant as benign. Taken together, this variant is classified as benign.

Ambry Genetics
Classification: Benign for Familial thoracic aortic aneurysm and aortic dissection. Last evaluated: 2014-11-19. Review status: criteria provided, single submitter. Criteria: Ambry Variant Classification Scheme 2023. Collection method: clinical testing. Allele origin: germline.

Mayo Clinic Laboratories, Mayo Clinic
Classification: Benign. Last evaluated: 2014-01-31. Review status: criteria provided, single submitter. Criteria: ACMG Guidelines, 2015. Collection method: clinical testing. Allele origin: germline. Observed: 194 variant alleles.

Genetic Services Laboratory, University of Chicago
Classification: Benign for AllHighlyPenetrant. Last evaluated: 2013-08-15. Review status: criteria provided, single submitter. Criteria: ACMG Guidelines, 2007. Collection method: clinical testing. Allele origin: germline. Inheritance: Autosomal dominant inheritance.

Laboratory for Molecular Medicine, Mass General Brigham Personalized Medicine
Classification: Benign. Last evaluated: 2013-04-04. Review status: criteria provided, single submitter. Criteria: LMM Criteria. Collection method: clinical testing. Allele origin: germline. Observed: 2 variant alleles.
Comment: 7013-5T>C in intron 55 of FBN2: This variant is not expected to have clinical si gnificance because it has been identified in 8.3% (365/4404) of African American chromosomes from a broad population by the NHLBI Exome Sequencing Project (dbSNP rs28763927).

GeneDx
Classification: Benign. Last evaluated: 2012-11-29. Review status: criteria provided, single submitter. Criteria: GeneDx Variant Classification (06012015). Collection method: clinical testing. Allele origin: germline. Affected: yes.
Comment: This variant is considered likely benign or benign based on one or more of the following criteria: it is a conservative change, it occurs at a poorly conserved position in the protein, it is predicted to be benign by multiple in silico algorithms, and/or has population frequency not consistent with disease.

PreventionGenetics, part of Exact Sciences
Classification: Benign. Review status: criteria provided, single submitter. Criteria: ACMG Guidelines, 2015. Collection method: clinical testing. Allele origin: germline.

Literature cited by the submitters: PubMed 17935258 (cited by Women's Health and Genetics/Laboratory Corporation of America, LabCorp); PubMed 17345643 (cited by Women's Health and Genetics/Laboratory Corporation of America, LabCorp).